The following is an entry in ClinVar:

NM_004738.5(VAPB):c.626C>T (p.Ser209Leu)

Gene: VAPB (VAMP associated protein B and C; plus strand). Cytogenetic location: 20q13.32.
Variant type: single nucleotide variant.
Coding change: c.626C>T on transcript NM_004738.5 (MANE Select); coding-DNA position 626, C replaced by T.
Protein change: p.Ser209Leu; replaces serine 209 with leucine.
Molecular consequence: missense variant. On other transcripts: synonymous variant (1), non-coding transcript variant (1).
Genome position (GRCh38, 1-based): chr20:58,444,129, C>T. VCF-style: chr20-58444129-C-T. GRCh37 (hg19) VCF-style: chr20-57019185-C-T.
Other names: c.264C>T, p.Phe88= (NM_001195677.2); short protein forms S209L.
Identifiers: ClinVar variation 4782471 (VCV004782471.1).

ClinVar aggregate classification (germline): Uncertain significance (1 of 4 stars; one submission).

Conditions:
Amyotrophic lateral sclerosis type 8 (ALS8). Identifiers: Orphanet 803, MedGen C1837728, MONDO:0012077, OMIM 608627.
Adult-onset proximal spinal muscular atrophy, autosomal dominant. Also called: FINKEL LATE-ADULT TYPE SMA; Spinal muscular atrophy, late-onset, finkel type. Identifiers: Orphanet 209335, MedGen C1854058, MONDO:0008453, OMIM 182980.

gnomAD v4.1: 1 of 1,614,194 alleles (0.000062%); highest among the groups gnomAD compares: Non-Finnish European, 0.000085%; no homozygotes.

Submission:

Labcorp Genetics (formerly Invitae), Labcorp
Classification: Uncertain significance for Adult-onset proximal spinal muscular atrophy, autosomal dominant; Amyotrophic lateral sclerosis type 8. Last evaluated: 2025-09-30. Review status: criteria provided, single submitter. Criteria: Invitae Variant Classification Sherloc (09022015). Collection method: clinical testing. Allele origin: germline.
Comment: This sequence change replaces serine, which is neutral and polar, with leucine, which is neutral and non-polar, at codon 209 of the VAPB protein (p.Ser209Leu). This variant is not present in population databases (gnomAD no frequency). This variant has not been reported in the literature in individuals affected with VAPB-related conditions. Invitae Evidence Modeling of protein sequence and biophysical properties (such as structural, functional, and spatial information, amino acid conservation, physicochemical variation, residue mobility, and thermodynamic stability) indicates that this missense variant is not expected to disrupt VAPB protein function with a negative predictive value of 80%. Algorithms developed to predict the effect of sequence changes on RNA splicing suggest that this variant may disrupt the consensus splice site. In summary, the available evidence is currently insufficient to determine the role of this variant in disease. Therefore, it has been classified as a Variant of Uncertain Significance.